The following is an entry in ClinVar:

ClinVar aggregate classification (germline): Uncertain significance (0 of 4 stars; one submission).

Conditions:
PCNT-related disorder. Also called: PCNT-related condition.

Submission:

PreventionGenetics, part of Exact Sciences
Classification: Uncertain significance for PCNT-related condition. Last evaluated: 2024-05-31. Review status: no assertion criteria provided. Collection method: clinical testing. Allele origin: germline.
Comment: The PCNT c.6004C>A variant is predicted to result in the amino acid substitution p.Gln2002Lys. To our knowledge, this variant has not been reported in the literature or in a large population database, indicating this variant is rare. At this time, the clinical significance of this variant is uncertain due to the absence of conclusive functional and genetic evidence.

NM_006031.6(PCNT):c.6004C>A (p.Gln2002Lys)

Gene: PCNT (pericentrin; plus strand). Cytogenetic location: 21q22.3.
Variant type: single nucleotide variant.
Coding change: c.6004C>A on transcript NM_006031.6 (MANE Select); coding-DNA position 6004, C replaced by A.
Protein change: p.Gln2002Lys; replaces glutamine 2002 with lysine.
Molecular consequence: missense variant.
Genome position (GRCh38, 1-based): chr21:46,412,846, C>A. VCF-style: chr21-46412846-C-A. GRCh37 (hg19) VCF-style: chr21-47832760-C-A.
Other names: c.5650C>A, p.Gln1884Lys (NM_001315529.2); short protein forms Q1884K, Q2002K.
Identifiers: ClinVar variation 3350378 (VCV003350378.1).